The following is an entry in ClinVar:

NM_032444.4(SLX4):c.1192C>T (p.Arg398Trp)

Gene: SLX4 (SLX4 structure-specific endonuclease subunit; minus strand). Cytogenetic location: 16p13.3.
Variant type: single nucleotide variant.
Coding change: c.1192C>T on transcript NM_032444.4 (MANE Select); coding-DNA position 1192, C replaced by T.
Protein change: p.Arg398Trp; replaces arginine 398 with tryptophan.
Molecular consequence: missense variant.
Genome position (GRCh38, 1-based): chr16:3,597,971, G>A on the plus strand (C>T on the coding strand, the complement: SLX4 is on the minus strand). VCF-style: chr16-3597971-G-A. GRCh37 (hg19) VCF-style: chr16-3647972-G-A.
Other names: c.1192C>T (LRG_503t1); short protein forms R398W.
Identifiers: ClinVar variation 407916 (VCV000407916.10), dbSNP rs138799572, ClinGen allele CA7866598.

ClinVar aggregate classification (germline): Uncertain significance. Review status: criteria provided, multiple submitters, no conflicts (2 of 4 stars). 3 submissions from 3 submitters: Uncertain significance (3). Last evaluated 2025-08-13.

Conditions:
Fanconi anemia complementation group P. Also called: SLX4-Related Fanconi Anemia. Identifiers: Orphanet 84, MedGen C3469542, MONDO:0013499, OMIM 613951.
Fanconi anemia (FA). Also called: Fanconi's anemia. Identifiers: Orphanet 84, MedGen C0015625, MeSH D005199, MONDO:0019391.
Inborn genetic diseases. Identifiers: MedGen C0950123, MeSH D030342.

Allele frequency attached by ClinVar (database versions not stated): ExAC 0.00002; gnomAD 0.00002; gnomAD exomes 0.00003 and 0.00004; TOPMed 0.00005; ESP Exome Variant Server 0.00008.
gnomAD v4.1: 50 of 1,614,008 alleles (0.0031%); highest among the groups gnomAD compares: Non-Finnish European, 0.0036%; no homozygotes.

Submissions (3):

Ambry Genetics
Classification: Uncertain significance for Inborn genetic diseases. Last evaluated: 2025-08-13. Review status: criteria provided, single submitter. Criteria: Ambry Variant Classification Scheme 2023. Collection method: clinical testing. Allele origin: germline.

Fulgent Genetics
Classification: Uncertain significance for Fanconi anemia complementation group P. Last evaluated: 2024-03-27. Review status: criteria provided, single submitter. Criteria: ACMG Guidelines, 2015. Collection method: clinical testing. Allele origin: germline.

Labcorp Genetics (formerly Invitae), Labcorp
Classification: Uncertain significance for Fanconi anemia. Last evaluated: 2023-12-28. Review status: criteria provided, single submitter. Criteria: Invitae Variant Classification Sherloc (09022015). Collection method: clinical testing. Allele origin: germline.
Comment: This sequence change replaces arginine, which is basic and polar, with tryptophan, which is neutral and slightly polar, at codon 398 of the SLX4 protein (p.Arg398Trp). This variant is present in population databases (rs138799572, gnomAD 0.006%). This variant has not been reported in the literature in individuals affected with SLX4-related conditions. ClinVar contains an entry for this variant (Variation ID: 407916). An algorithm developed to predict the effect of missense changes on protein structure and function (PolyPhen-2) suggests that this variant is likely to be disruptive. In summary, the available evidence is currently insufficient to determine the role of this variant in disease. Therefore, it has been classified as a Variant of Uncertain Significance.